The following is an entry in ClinVar:

ClinVar aggregate classification (germline): Uncertain significance (1 of 4 stars; one submission).

Conditions:
Fanconi anemia (FA). Also called: Fanconi's anemia. Identifiers: Orphanet 84, MedGen C0015625, MeSH D005199, MONDO:0019391.

Submission:

Labcorp Genetics (formerly Invitae), Labcorp
Classification: Uncertain significance for Fanconi anemia. Last evaluated: 2021-11-14. Review status: criteria provided, single submitter. Criteria: Invitae Variant Classification Sherloc (09022015). Collection method: clinical testing. Allele origin: germline.
Comment: This variant has not been reported in the literature in individuals affected with FANCI-related conditions. Algorithms developed to predict the effect of missense changes on protein structure and function are either unavailable or do not agree on the potential impact of this missense change (SIFT: "Deleterious"; PolyPhen-2: "Probably Damaging"; Align-GVGD: "Class C0"). In summary, the available evidence is currently insufficient to determine the role of this variant in disease. Therefore, it has been classified as a Variant of Uncertain Significance. This sequence change replaces valine, which is neutral and non-polar, with phenylalanine, which is neutral and non-polar, at codon 378 of the FANCI protein (p.Val378Phe). This variant is not present in population databases (gnomAD no frequency).

NM_001113378.2(FANCI):c.1132G>T (p.Val378Phe)

Gene: FANCI (FA complementation group I; plus strand). Cytogenetic location: 15q26.1.
Variant type: single nucleotide variant.
Coding change: c.1132G>T on transcript NM_001113378.2 (MANE Select); coding-DNA position 1132, G replaced by T.
Protein change: p.Val378Phe; replaces valine 378 with phenylalanine.
Molecular consequence: missense variant.
Genome position (GRCh38, 1-based): chr15:89,276,730, G>T. VCF-style: chr15-89276730-G-T. GRCh37 (hg19) VCF-style: chr15-89819961-G-T.
Other names: c.853G>T, p.Val285Phe (NM_001376910.1); c.1132G>T, p.Val378Phe (NM_001376911.1, NM_018193.3); short protein forms V285F, V378F.
Identifiers: ClinVar variation 1406059 (VCV001406059.6), dbSNP rs1216132878, ClinGen allele CA393741955.
Genomic context (GRCh38, chr15:89,276,730, plus strand): 5'-ACTAAGTTTTTCTTTTTTAACTAAGCTTTGTGTTCTTGTAGCGTTCATAGCTGGGACCAT[G>T]TTACTCAGGGCCTCGTAGAACTTGGTTTCATTTTGATGGATTCATATGGGCCAAAGAAGG-3'
Protein context (NP_001106849.1, residues 368-388): VKNSVHSWDH[Val378Phe]TQGLVELGFI